The following is an entry in ClinVar:

ClinVar aggregate classification (germline): Conflicting classifications of pathogenicity. Review status: criteria provided, conflicting classifications (1 of 4 stars). 4 submissions from 4 submitters: Uncertain significance (2); Likely benign (2). Last evaluated 2026-01-01.

Conditions:
LGI1-related disorder. Also called: LGI1-related condition.
Autosomal dominant epilepsy with auditory features. Identifiers: Orphanet 101046, MedGen C1838062, MONDO:0010898.
Inborn genetic diseases. Identifiers: MedGen C0950123, MeSH D030342.

Allele frequency attached by ClinVar (database versions not stated): TOPMed 0.00005; ESP Exome Variant Server 0.00008; gnomAD 0.00008 and 0.00009.
gnomAD v4.1: 83 of 1,613,768 alleles (0.0051%); highest among the groups gnomAD compares: Non-Finnish European, 0.0066%; no homozygotes.

Submissions (4):

Labcorp Genetics (formerly Invitae), Labcorp
Classification: Likely benign for Autosomal dominant epilepsy with auditory features. Last evaluated: 2026-01-01. Review status: criteria provided, single submitter. Criteria: Invitae Variant Classification Sherloc (09022015). Collection method: clinical testing. Allele origin: germline.

PreventionGenetics, part of Exact Sciences
Classification: Uncertain significance for LGI1-related condition. Last evaluated: 2025-04-15. Review status: criteria provided, single submitter. Criteria: ACMG Guidelines, 2015. Collection method: clinical testing. Allele origin: germline.
Comment: The LGI1 c.812C>T variant is predicted to result in the amino acid substitution p.Thr271Ile. To our knowledge, this variant has not been reported in the literature. This variant is reported in 0.0062% of alleles in individuals of European (Non-Finnish) descent in gnomAD. At this time, the clinical significance of this variant is uncertain due to the absence of conclusive functional and genetic evidence.

Revvity Omics, Revvity
Classification: Uncertain significance. Last evaluated: 2019-12-10. Review status: criteria provided, single submitter. Criteria: ACMG Guidelines, 2015. Collection method: clinical testing. Allele origin: germline.

Ambry Genetics
Classification: Likely benign for Inborn genetic diseases. Last evaluated: 2018-12-31. Review status: criteria provided, single submitter. Criteria: Ambry Variant Classification Scheme 2023. Collection method: clinical testing. Allele origin: germline.

NM_005097.4(LGI1):c.812C>T (p.Thr271Ile)

Gene: LGI1 (leucine rich glioma inactivated 1; plus strand). Cytogenetic location: 10q23.33.
Variant type: single nucleotide variant.
Coding change: c.812C>T on transcript NM_005097.4 (MANE Select); coding-DNA position 812, C replaced by T.
Protein change: p.Thr271Ile; replaces threonine 271 with isoleucine.
Molecular consequence: missense variant. On other transcripts: non-coding transcript variant (1).
Genome position (GRCh38, 1-based): chr10:93,793,324, C>T. VCF-style: chr10-93793324-C-T. GRCh37 (hg19) VCF-style: chr10-95553081-C-T.
Other names: c.812C>T, p.Thr271Ile (NM_001308275.2); c.668C>T, p.Thr223Ile (NM_001308276.2); c.812C>T (NM_005097.3); short protein forms T271I, T223I.
Identifiers: ClinVar variation 206027 (VCV000206027.19), dbSNP rs140752487, ClinGen allele CA315715.